The following is an entry in ClinVar:

ClinVar aggregate classification (germline): Uncertain significance. Review status: criteria provided, multiple submitters, no conflicts (2 of 4 stars). 2 submissions from 2 submitters: Uncertain significance (2). Last evaluated 2025-07-15.

Conditions:
Pallister-Hall syndrome (PHS). Also called: HYPOTHALAMIC HAMARTOBLASTOMA, HYPOPITUITARISM, IMPERFORATE ANUS, AND POSTAXIAL POLYDACTYLY; GLI3-Related Pallister-Hall Syndrome. Identifiers: Orphanet 672, MedGen C0265220, MONDO:0007804, OMIM 146510.
Greig cephalopolysyndactyly syndrome (GCPS). Also called: POLYSYNDACTYLY WITH PECULIAR SKULL SHAPE; Greig syndrome; GLI3-Related Greig Cephalopolysyndactyly Syndrome. Identifiers: Orphanet 380, MedGen C0265306, MONDO:0008287, OMIM 175700.
Inborn genetic diseases. Identifiers: MedGen C0950123, MeSH D030342.

Allele frequency attached by ClinVar (database versions not stated): gnomAD 0.00001; TOPMed 0.00001; ExAC 0.00002.
gnomAD v4.1: 9 of 1,575,712 alleles (0.00057%); highest among the groups gnomAD compares: East Asian, 0.0046%; no homozygotes.

Submissions (2):

Ambry Genetics
Classification: Uncertain significance for Inborn genetic diseases. Last evaluated: 2025-07-15. Review status: criteria provided, single submitter. Criteria: Ambry Variant Classification Scheme 2023. Collection method: clinical testing. Allele origin: germline.

Labcorp Genetics (formerly Invitae), Labcorp
Classification: Uncertain significance for Pallister-Hall syndrome; Greig cephalopolysyndactyly syndrome. Last evaluated: 2024-12-12. Review status: criteria provided, single submitter. Criteria: Invitae Variant Classification Sherloc (09022015). Collection method: clinical testing. Allele origin: germline.
Comment: This sequence change replaces glycine, which is neutral and non-polar, with arginine, which is basic and polar, at codon 988 of the GLI3 protein (p.Gly988Arg). The frequency data for this variant in the population databases is considered unreliable, as metrics indicate poor data quality at this position in the gnomAD database. This variant has not been reported in the literature in individuals affected with GLI3-related conditions. ClinVar contains an entry for this variant (Variation ID: 2080417). Invitae Evidence Modeling of protein sequence and biophysical properties (such as structural, functional, and spatial information, amino acid conservation, physicochemical variation, residue mobility, and thermodynamic stability) indicates that this missense variant is not expected to disrupt GLI3 protein function with a negative predictive value of 95%. In summary, the available evidence is currently insufficient to determine the role of this variant in disease. Therefore, it has been classified as a Variant of Uncertain Significance.

NM_000168.6(GLI3):c.2962G>A (p.Gly988Arg)

Gene: GLI3 (GLI family zinc finger 3; minus strand). Cytogenetic location: 7p14.1.
Variant type: single nucleotide variant.
Coding change: c.2962G>A on transcript NM_000168.6 (MANE Select); coding-DNA position 2962, G replaced by A.
Protein change: p.Gly988Arg; replaces glycine 988 with arginine.
Molecular consequence: missense variant.
Genome position (GRCh38, 1-based): chr7:41,966,111, C>T on the plus strand (G>A on the coding strand, the complement: GLI3 is on the minus strand). VCF-style: chr7-41966111-C-T. GRCh37 (hg19) VCF-style: chr7-42005709-C-T.
Other names: c.2962G>A (NM_000168.5); short protein forms G988R.
Identifiers: ClinVar variation 2080417 (VCV002080417.5), dbSNP rs765236732, ClinGen allele CA4230490.